The following is an entry in ClinVar:

ClinVar aggregate classification (germline): Conflicting classifications of pathogenicity. Review status: criteria provided, conflicting classifications (1 of 4 stars). 4 submissions from 4 submitters: Likely pathogenic (2); Uncertain significance (2). Last evaluated 2026-02-26.

Conditions:
Retinitis pigmentosa 93. Identifiers: MedGen C5676970, MONDO:0030797, OMIM 619845.
COACH syndrome 2. Identifiers: MedGen C5436837, MONDO:0030859, OMIM 619111.
Meckel syndrome, type 6. Identifiers: Orphanet 564, MedGen C2676790, MONDO:0012848, OMIM 612284.
Joubert syndrome 9 (JBTS9). Identifiers: Orphanet 2318, MedGen C2676788, MONDO:0012849, OMIM 612285.
CC2D2A-related disorder. Also called: CC2D2A-related disorders; CC2D2A-related condition. Identifiers: MedGen CN239313.
Joubert syndrome. Also called: JOUBERT-BOLTSHAUSER SYNDROME; Familial aplasia of the vermis. Identifiers: Orphanet 475, MedGen C5979921, MONDO:0018772.
Meckel-Gruber syndrome. Also called: DYSENCEPHALIA SPLANCHNOCYSTICA; GRUBER SYNDROME; Dysencephalia splachnocystica. Identifiers: Orphanet 564, MedGen C0265215, MONDO:0018921.

Submissions (4):

PreventionGenetics, part of Exact Sciences
Classification: Likely pathogenic for CC2D2A-related condition. Last evaluated: 2026-02-26. Review status: criteria provided, single submitter. Criteria: ACMG Guidelines, 2015. Collection method: clinical testing. Allele origin: germline.
Comment: The CC2D2A c.248-4_248-3insAAGTTTT variant is predicted to result in an in-frame amino acid insertion (Intronic). This variant is predicted to alter splicing based on available splicing prediction software (SpliceAI, Jaganathan et al. 2019. PubMed ID: 30661751). However, the use of computer prediction software is not equivalent to functional evidence. This variant has been reported, in the heterozygous state with a second likely pathogenic CC2D2A variant, in an individual with Joubert syndrome (Supplemental Table II, Summers et al. 2017. PubMed ID: 28497568). It has also been identified in the heterozygous state without a second detected allele in one individual with cerebellar and cardiac abnormalities, and in another individual with Joubert syndrome (Table S1, Petzold et al. 2023. PubMed ID: 37230223; Supplemental Table S3, Harion. 2023. PubMed ID: 36319078). At PreventionGenetics, we have identified this variant in trans with pathogenic variants in two unrelated individuals with features consistent with CC2D2A-related disorders (Internal Data). This variant is reported in 0.0047% of alleles in individuals of European (non-Finnish) descent in gnomAD. Given the evidence, this variant is interpreted as likely pathogenic.

Blueprint Genetics
Classification: Likely pathogenic for CC2D2A-related disorders. Last evaluated: 2024-10-18. Review status: criteria provided, single submitter. Criteria: ACMG Guidelines, 2015. Collection method: clinical testing. Allele origin: germline. Affected: yes. Observed: 5 variant alleles.

Labcorp Genetics (formerly Invitae), Labcorp
Classification: Uncertain significance for Joubert syndrome; Meckel-Gruber syndrome. Last evaluated: 2022-10-13. Review status: criteria provided, single submitter. Criteria: Invitae Variant Classification Sherloc (09022015). Collection method: clinical testing. Allele origin: germline.
Comment: This sequence change falls in intron 5 of the CC2D2A gene. It does not directly change the encoded amino acid sequence of the CC2D2A protein. The frequency data for this variant in the population databases is considered unreliable, as metrics indicate poor data quality at this position in the gnomAD database. This variant has been observed in individual(s) with Joubert syndrome (PMID: 28497568). ClinVar contains an entry for this variant (Variation ID: 1525316). Algorithms developed to predict the effect of sequence changes on RNA splicing suggest that this variant may disrupt the consensus splice site. In summary, the available evidence is currently insufficient to determine the role of this variant in disease. Therefore, it has been classified as a Variant of Uncertain Significance.

Fulgent Genetics
Classification: Uncertain significance for Meckel syndrome, type 6; Joubert syndrome 9; COACH syndrome 2; Retinitis pigmentosa 93. Last evaluated: 2022-04-27. Review status: criteria provided, single submitter. Criteria: ACMG Guidelines, 2015. Collection method: clinical testing. Allele origin: unknown.

Literature cited by the submitters: PubMed 28497568 (cited by Labcorp Genetics (formerly Invitae), Labcorp).

NM_001378615.1(CC2D2A):c.248-4_248-3insAAGTTTT

Genes: CC2D2A (coiled-coil and C2 domain containing 2A; plus strand), FBXL5 (F-box and leucine rich repeat protein 5; minus strand). Cytogenetic location: 4p15.32.
Variant type: Microsatellite.
Coding change: c.248-4_248-3insAAGTTTT on transcript NM_001378615.1 (MANE Select); 4 bases into the intron before coding-DNA position 248 through 3 bases into the intron before coding-DNA position 248, AAGTTTT inserted.
Molecular consequence: intron variant.
Genome position: GRCh38 VCF-style: chr4-15502421-T-TTTTTAAG. GRCh37 (hg19) VCF-style: chr4-15504044-T-TTTTTAAG.
Other names: c.248-4_248-3insAAGTTTT (NM_001080522.2); c.101-4_101-3insAAGTTTT (NM_001378617.1).
Identifiers: ClinVar variation 1525316 (VCV001525316.7), dbSNP rs750398145.